The following is an entry in ClinVar:

ClinVar aggregate classification (germline): Likely pathogenic (1 of 4 stars; one submission).

Conditions:
Dilated cardiomyopathy 1G (CMD1G). Identifiers: Orphanet 154, MedGen C1858763, MONDO:0011400, OMIM 604145.
Autosomal recessive limb-girdle muscular dystrophy type 2J (LGMDR10). Also called: Limb-girdle muscular dystrophy, type 2J; MUSCULAR DYSTROPHY, LIMB-GIRDLE, AUTOSOMAL RECESSIVE 10. Identifiers: Orphanet 140922, MedGen C1837342, MONDO:0012127, OMIM 608807.

Submission:

Labcorp Genetics (formerly Invitae), Labcorp
Classification: Likely pathogenic for Dilated cardiomyopathy 1G; Autosomal recessive limb-girdle muscular dystrophy type 2J. Last evaluated: 2021-09-02. Review status: criteria provided, single submitter. Criteria: Invitae Variant Classification Sherloc (09022015). Collection method: clinical testing. Allele origin: germline.
Comment: In summary, the currently available evidence indicates that the variant is pathogenic, but additional data are needed to prove that conclusively. Therefore, this variant has been classified as Likely Pathogenic. This sequence change creates a premature translational stop signal (p.Lys26435Asnfs*12) in the TTN gene. While this is not anticipated to result in nonsense mediated decay, it is expected to create a truncated TTN protein. This variant is not present in population databases (ExAC no frequency). This variant has not been reported in the literature in individuals affected with TTN-related conditions. This variant is located in the A band of TTN (PMID: 25589632). Truncating variants in this region are significantly overrepresented in patients affected with dilated cardiomyopathy (PMID: 25589632). Truncating variants in this region have also been reported in individuals affected with autosomal recessive centronuclear myopathy (PMID: 23975875).

Literature cited by the submitters: PubMed 25589632; PubMed 23975875.

NM_001267550.2(TTN):c.79305del (p.Lys26435fs)

Genes: TTN (titin; minus strand), TTN-AS1 (TTN antisense RNA 1; plus strand). Cytogenetic location: 2q31.2.
Variant type: Deletion.
Coding change: c.79305del on transcript NM_001267550.2 (MANE Select); coding-DNA position 79305, one base deleted (A; older notation c.79305delA).
Protein change: p.Lys26435fs; shifts the reading frame from lysine 26435.
Molecular consequence: frameshift variant.
Genome position (GRCh38, 1-based): chr2:178,566,827, T deleted on the plus strand (A on the coding strand, the reverse complement: TTN is on the minus strand); the first of 4 consecutive T bases (chr2:178,566,827-178,566,830); deleting any one gives the same sequence. VCF-style (leftmost placement, unchanged base first): chr2-178566826-AT-A. GRCh37 (hg19) VCF-style: chr2-179431553-AT-A.
Other names: c.74382del, p.Lys24794fs (NM_001256850.1); c.52110del, p.Lys17370fs (NM_003319.4); c.71601del, p.Lys23867fs (NM_133378.4); c.52485del, p.Lys17495fs (NM_133432.3); c.52686del, p.Lys17562fs (NM_133437.4); short protein forms K17562fs, K23867fs, K26435fs, K24794fs, K17370fs, K17495fs.
Identifiers: ClinVar variation 1510568 (VCV001510568.6), dbSNP rs2154165874, ClinGen allele CA2573133018.